The following is an entry in ClinVar:

NM_020717.5(SHROOM4):c.3207C>A (p.Ser1069Arg)

Gene: SHROOM4 (shroom family member 4; minus strand). Cytogenetic location: Xp11.22.
Variant type: single nucleotide variant.
Coding change: c.3207C>A on transcript NM_020717.5 (MANE Select); coding-DNA position 3207, C replaced by A.
Protein change: p.Ser1069Arg; replaces serine 1069 with arginine.
Molecular consequence: missense variant. On other transcripts: non-coding transcript variant (4).
Genome position (GRCh38, 1-based): chrX:50,607,935, G>T on the plus strand (C>A on the coding strand, the complement: SHROOM4 is on the minus strand). VCF-style: chrX-50607935-G-T. GRCh37 (hg19) VCF-style: chrX-50350935-G-T.
Other names: short protein forms S1069R.
Identifiers: ClinVar variation 1334592 (VCV001334592.4), dbSNP rs1324837830, ClinGen allele CA413103931.

ClinVar aggregate classification (germline): Uncertain significance (1 of 4 stars; one submission).

Allele frequency attached by ClinVar (database versions not stated): gnomAD exomes below 0.00001; TOPMed below 0.00001; gnomAD 0.00001.
gnomAD v4.1: 2 of 1,210,093 alleles (0.00017%); highest among the groups gnomAD compares: Non-Finnish European, 0.00022%; no homozygotes.

Submission:

Greenwood Genetic Center Diagnostic Laboratories, Greenwood Genetic Center
Classification: Uncertain significance. Last evaluated: 2021-09-30. Review status: criteria provided, single submitter. Criteria: ACMG Guidelines, 2015. Collection method: clinical testing. Allele origin: germline. Affected: yes.
Comment: PM2